The following is an entry in ClinVar:

ClinVar aggregate classification (germline): Uncertain significance (1 of 4 stars; one submission).

Conditions:
Immunodeficiency-centromeric instability-facial anomalies syndrome 2 (ICF2). Identifiers: Orphanet 2268, MedGen C3279748, MONDO:0013553, OMIM 614069.

Allele frequency attached by ClinVar (database versions not stated): gnomAD 0.00001; gnomAD exomes 0.00001; TOPMed 0.00002; ExAC 0.00003.
gnomAD v4.1: 18 of 1,613,844 alleles (0.0011%); highest among the groups gnomAD compares: Admixed American, 0.018%; no homozygotes.

Submission:

Labcorp Genetics (formerly Invitae), Labcorp
Classification: Uncertain significance for Immunodeficiency-centromeric instability-facial anomalies syndrome 2. Last evaluated: 2025-08-18. Review status: criteria provided, single submitter. Criteria: Invitae Variant Classification Sherloc (09022015). Collection method: clinical testing. Allele origin: germline.
Comment: This sequence change replaces lysine, which is basic and polar, with arginine, which is basic and polar, at codon 362 of the ZBTB24 protein (p.Lys362Arg). This variant is present in population databases (rs768038018, gnomAD 0.01%). This variant has not been reported in the literature in individuals affected with ZBTB24-related conditions. ClinVar contains an entry for this variant (Variation ID: 2143279). An algorithm developed to predict the effect of missense changes on protein structure and function (PolyPhen-2) suggests that this variant is likely to be disruptive. In summary, the available evidence is currently insufficient to determine the role of this variant in disease. Therefore, it has been classified as a Variant of Uncertain Significance.

NM_014797.3(ZBTB24):c.1085A>G (p.Lys362Arg)

Gene: ZBTB24 (zinc finger and BTB domain containing 24; minus strand). Cytogenetic location: 6q21.
Variant type: single nucleotide variant.
Coding change: c.1085A>G on transcript NM_014797.3 (MANE Select); coding-DNA position 1085, A replaced by G.
Protein change: p.Lys362Arg; replaces lysine 362 with arginine.
Molecular consequence: missense variant.
Genome position (GRCh38, 1-based): chr6:109,476,798, T>C on the plus strand (A>G on the coding strand, the complement: ZBTB24 is on the minus strand). VCF-style: chr6-109476798-T-C. GRCh37 (hg19) VCF-style: chr6-109798001-T-C.
Other names: short protein forms K362R.
Identifiers: ClinVar variation 2143279 (VCV002143279.2), dbSNP rs768038018, ClinGen allele CA3954196.